The following is an entry in ClinVar:

ClinVar aggregate classification (germline): Uncertain significance (1 of 4 stars; one submission).

Allele frequency attached by ClinVar (database versions not stated): gnomAD exomes below 0.00001.
gnomAD v4.1: 2 of 1,611,234 alleles (0.00012%); highest among the groups gnomAD compares: Non-Finnish European, 0.00017%; no homozygotes.

Submission:

GeneDx
Classification: Uncertain significance. Last evaluated: 2023-04-06. Review status: criteria provided, single submitter. Criteria: GeneDx Variant Classification Process June 2021. Collection method: clinical testing. Allele origin: germline. Affected: yes.
Comment: Not observed at significant frequency in large population cohorts (gnomAD); In silico analysis supports that this missense variant does not alter protein structure/function; Has not been previously published as pathogenic or benign to our knowledge

NM_006914.4(RORB):c.981G>A (p.Met327Ile)

Gene: RORB (RAR related orphan receptor B; plus strand). Cytogenetic location: 9q21.13.
Variant type: single nucleotide variant.
Coding change: c.981G>A on transcript NM_006914.4 (MANE Select); coding-DNA position 981, G replaced by A.
Protein change: p.Met327Ile; replaces methionine 327 with isoleucine.
Molecular consequence: missense variant.
Genome position (GRCh38, 1-based): chr9:74,665,576, G>A. VCF-style: chr9-74665576-G-A. GRCh37 (hg19) VCF-style: chr9-77280492-G-A.
Other names: c.1014G>A, p.Met338Ile (NM_001365023.1); short protein forms M327I, M338I.
Identifiers: ClinVar variation 2662513 (VCV002662513.1), dbSNP rs2489633838, ClinGen allele CA373771165.